The following is an entry in ClinVar:

ClinVar aggregate classification (germline): Likely pathogenic (1 of 4 stars; one submission).

Conditions:
Familial dysautonomia. Also called: FD; HSAN III. Identifiers: Orphanet 1764, MedGen C0013364, MONDO:0009131, OMIM 223900. Disease mechanism: loss of function.

Submission:

Natera, Inc.
Classification: Likely pathogenic for Familial dysautonomia. Last evaluated: 2025-01-28. Review status: criteria provided, single submitter. Criteria: Natera Variant Classification Schema (03/2026). Collection method: clinical testing. Allele origin: germline.
Comment: The c.2352dup variant in ELP1 is a frameshift variant predicted to shift the reading frame beginning at codon 785 and leads to a stop codon 28 codons downstream. This variant is expected to result in nonsense mediated decay, truncation, or a dysfunctional protein product. This variant is rare in the general population with a frequency below the threshold expected for the associated phenotype(s). Given the available evidence, this variant is classified as Likely Pathogenic.

NM_003640.5(ELP1):c.2352dup (p.Thr785fs)

Gene: ELP1 (elongator acetyltransferase complex subunit 1; minus strand). Cytogenetic location: 9q31.3.
Variant type: Duplication.
Coding change: c.2352dup on transcript NM_003640.5 (MANE Select); coding-DNA position 2352, one base duplicated (T; older notation c.2352dupT).
Protein change: p.Thr785fs; shifts the reading frame from threonine 785.
Molecular consequence: frameshift variant.
Genome position (GRCh38, 1-based): chr9:108,898,513, A duplicated on the plus strand (T on the coding strand, the reverse complement: ELP1 is on the minus strand); the first of 6 consecutive A bases (chr9:108,898,513-108,898,518); duplicating any one gives the same sequence. VCF-style (leftmost placement, unchanged base first): chr9-108898512-T-TA. GRCh37 (hg19) VCF-style: chr9-111660792-T-TA.
Other names: c.2010dup, p.Thr671fs (NM_001318360.2); c.1305dup, p.Thr436fs (NM_001330749.2); short protein forms T436fs, T671fs, T785fs.
Identifiers: ClinVar variation 4067328 (VCV004067328.2).